The following is an entry in ClinVar:

NM_002972.4(SBF1):c.5594C>T (p.Thr1865Met)

Gene: SBF1 (SET binding factor 1; minus strand). Cytogenetic location: 22q13.33.
Variant type: single nucleotide variant.
Coding change: c.5594C>T on transcript NM_002972.4 (MANE Select); coding-DNA position 5594, C replaced by T.
Protein change: p.Thr1865Met; replaces threonine 1865 with methionine.
Molecular consequence: missense variant.
Genome position (GRCh38, 1-based): chr22:50,447,230, G>A on the plus strand (C>T on the coding strand, the complement: SBF1 is on the minus strand). VCF-style: chr22-50447230-G-A. GRCh37 (hg19) VCF-style: chr22-50885659-G-A.
Other names: c.5519C>T, p.Thr1840Met (NM_001365819.1); short protein forms T1865M, T1840M.
Identifiers: ClinVar variation 1413195 (VCV001413195.3), dbSNP rs375012426, ClinGen allele CA10315756.

ClinVar aggregate classification (germline): Uncertain significance (1 of 4 stars; one submission).

Allele frequency attached by ClinVar (database versions not stated): ESP Exome Variant Server 0.00008; TOPMed 0.00013; gnomAD 0.00014 and 0.00017; gnomAD exomes 0.00015 and 0.00016; ExAC 0.00019; 1000 Genomes Project 30x 0.00047; 1000 Genomes Project 0.00060.

Submission:

Labcorp Genetics (formerly Invitae), Labcorp
Classification: Uncertain significance. Last evaluated: 2022-10-13. Review status: criteria provided, single submitter. Criteria: Invitae Variant Classification Sherloc (09022015). Collection method: clinical testing. Allele origin: germline.
Comment: This sequence change replaces threonine, which is neutral and polar, with methionine, which is neutral and non-polar, at codon 1865 of the SBF1 protein (p.Thr1865Met). This variant is present in population databases (rs375012426, gnomAD 0.2%). This variant has not been reported in the literature in individuals affected with SBF1-related conditions. ClinVar contains an entry for this variant (Variation ID: 1413195). Advanced modeling of protein sequence and biophysical properties (such as structural, functional, and spatial information, amino acid conservation, physicochemical variation, residue mobility, and thermodynamic stability) performed at Invitae indicates that this missense variant is not expected to disrupt SBF1 protein function. In summary, the available evidence is currently insufficient to determine the role of this variant in disease. Therefore, it has been classified as a Variant of Uncertain Significance.